The following is an entry in ClinVar:

ClinVar aggregate classification (germline): Uncertain significance (1 of 4 stars; one submission).

Conditions:
RDX-related disorder. Also called: RDX-related condition.

gnomAD v4.1: 17 of 1,610,922 alleles (0.0011%); highest among the groups gnomAD compares: Middle Eastern, 0.034%; no homozygotes.

Submission:

PreventionGenetics, part of Exact Sciences
Classification: Uncertain significance for RDX-related condition. Last evaluated: 2025-09-17. Review status: criteria provided, single submitter. Criteria: ACMG Guidelines, 2015. Collection method: clinical testing. Allele origin: germline.
Comment: The RDX c.508G>A variant is predicted to result in the amino acid substitution p.Glu170Lys. To our knowledge, this variant has not been reported in the literature. This variant is reported in 0.0035% of alleles in individuals of European (Non-Finnish) descent in gnomAD. At this time, the clinical significance of this variant is uncertain due to the absence of conclusive functional and genetic evidence.

NM_002906.4(RDX):c.508G>A (p.Glu170Lys)

Gene: RDX (radixin; minus strand). Cytogenetic location: 11q22.3.
Variant type: single nucleotide variant.
Coding change: c.508G>A on transcript NM_002906.4 (MANE Select); coding-DNA position 508, G replaced by A.
Protein change: p.Glu170Lys; replaces glutamic acid 170 with lysine.
Molecular consequence: missense variant. On other transcripts: intron variant (2).
Genome position (GRCh38, 1-based): chr11:110,258,149, C>T on the plus strand (G>A on the coding strand, the complement: RDX is on the minus strand). VCF-style: chr11-110258149-C-T. GRCh37 (hg19) VCF-style: chr11-110128874-C-T.
Other names: c.508G>A, p.Glu170Lys (NM_001260492.2, NM_001260493.2, NM_001440505.1 and 5 more transcripts); c.100G>A, p.Glu34Lys (NM_001260494.2); c.475G>A, p.Glu159Lys (NM_001440510.1, NM_001440511.1, NM_001440513.1 and 2 more transcripts); c.424G>A, p.Glu142Lys (NM_001440516.1); c.412G>A, p.Glu138Lys (NM_001440517.1); c.-82-10316G>A (NM_001260495.2); c.404+8G>A (NM_001260496.2); short protein forms E34K, E138K, E142K, E159K, E170K.
Identifiers: ClinVar variation 4980520 (VCV004980520.1).